The following is an entry in ClinVar:

NM_004320.6(ATP2A1):c.733G>A (p.Asp245Asn)

Gene: ATP2A1 (ATPase sarcoplasmic/endoplasmic reticulum Ca2+ transporting 1; plus strand). Cytogenetic location: 16p11.2.
Variant type: single nucleotide variant.
Coding change: c.733G>A on transcript NM_004320.6 (MANE Select); coding-DNA position 733, G replaced by A.
Protein change: p.Asp245Asn; replaces aspartic acid 245 with asparagine.
Molecular consequence: missense variant.
Genome position (GRCh38, 1-based): chr16:28,887,527, G>A. VCF-style: chr16-28887527-G-A. GRCh37 (hg19) VCF-style: chr16-28898848-G-A.
Other names: p.Asp245Asn; c.733G>A (NM_173201.4); c.358G>A, p.Asp120Asn (NM_001286075.2); c.733G>A, p.Asp245Asn (NM_173201.5); short protein forms D245N, D120N.
Identifiers: ClinVar variation 532728 (VCV000532728.18), dbSNP rs150721350, ClinGen allele CA7986754.
Genomic context (GRCh38, chr16:28,887,527, plus strand): 5'-ACCACTGGTGTGGGCACCGAGATTGGGAAGATCCGAGACCAAATGGCTGCCACAGAACAG[G>A]ACAAGACCCCCTTGCAGCAGAAGCTGGATGAGTTTGGGGAGCAGCTCTCCAAGGTCATCT-3'
Protein context (NP_004311.1, residues 235-255): IRDQMAATEQ[Asp245Asn]KTPLQQKLDE

ClinVar aggregate classification (germline): Conflicting classifications of pathogenicity. Review status: criteria provided, conflicting classifications (1 of 4 stars). 5 submissions from 5 submitters: Uncertain significance (3); Likely benign (1). 1 of the submissions does not count toward it. Last evaluated 2026-01-11.

Conditions:
Brody myopathy. Also called: BRODY DISEASE. Identifiers: Orphanet 53347, MedGen C1832918, MONDO:0010977, OMIM 601003.
Inborn genetic diseases. Identifiers: MedGen C0950123, MeSH D030342.
ATP2A1-related disorder. Also called: ATP2A1-related condition.

Allele frequency attached by ClinVar (database versions not stated): gnomAD exomes 0.00006 and 0.00011; ExAC 0.00012; gnomAD 0.00060 and 0.00069; TOPMed 0.00065; ESP Exome Variant Server 0.00085.
gnomAD v4.1: 183 of 1,613,896 alleles (0.011%); highest among the groups gnomAD compares: African/African-American, 0.23%; no homozygotes.

Submissions (5):

Labcorp Genetics (formerly Invitae), Labcorp
Classification: Likely benign for Brody myopathy. Last evaluated: 2026-01-11. Review status: criteria provided, single submitter. Criteria: Invitae Variant Classification Sherloc (09022015). Collection method: clinical testing. Allele origin: germline.

Mayo Clinic Laboratories, Mayo Clinic
Classification: Uncertain significance. Last evaluated: 2025-07-03. Review status: criteria provided, single submitter. Criteria: ACMG Guidelines, 2015. Collection method: clinical testing. Allele origin: germline. Observed: 1 variant allele.
Comment: BS1

Ambry Genetics
Classification: Uncertain significance for Inborn genetic diseases. Last evaluated: 2022-02-17. Review status: criteria provided, single submitter. Criteria: Ambry Variant Classification Scheme 2023. Collection method: clinical testing. Allele origin: germline.

Revvity Omics, Revvity
Classification: Uncertain significance for Brody myopathy. Last evaluated: 2019-06-26. Review status: criteria provided, single submitter. Criteria: ACMG Guidelines, 2015. Collection method: clinical testing. Allele origin: germline.

PreventionGenetics, part of Exact Sciences
Classification: Likely benign for ATP2A1-related condition. Last evaluated: 2022-02-03. Review status: no assertion criteria provided. Collection method: clinical testing. Allele origin: germline. Not counted in ClinVar's aggregate classification.
Comment: This variant is classified as likely benign based on ACMG/AMP sequence variant interpretation guidelines (Richards et al. 2015 PMID: 25741868, with internal and published modifications).